The following is an entry in ClinVar:

NM_003073.5(SMARCB1):c.226A>G (p.Thr76Ala)

Gene: SMARCB1 (SWI/SNF related BAF chromatin remodeling complex subunit B1; plus strand). Cytogenetic location: 22q11.23.
Variant type: single nucleotide variant.
Coding change: c.226A>G on transcript NM_003073.5 (MANE Select); coding-DNA position 226, A replaced by G.
Protein change: p.Thr76Ala; replaces threonine 76 with alanine.
Molecular consequence: missense variant. On other transcripts: intron variant (2).
Genome position (GRCh38, 1-based): chr22:23,791,888, A>G. VCF-style: chr22-23791888-A-G. GRCh37 (hg19) VCF-style: chr22-24134075-A-G.
Other names: c.226A>G, p.Thr76Ala (NM_001362877.2); c.205+21A>G (NM_001317946.2, NM_001007468.3); short protein forms T76A.
Identifiers: ClinVar variation 1412662 (VCV001412662.7), dbSNP rs2145960619, ClinGen allele CA410933235.

ClinVar aggregate classification (germline): Uncertain significance (1 of 4 stars; one submission).

Allele frequency attached by ClinVar (database versions not stated): gnomAD exomes below 0.00001.

Submission:

Labcorp Genetics (formerly Invitae), Labcorp
Classification: Uncertain significance. Last evaluated: 2021-01-13. Review status: criteria provided, single submitter. Criteria: Invitae Variant Classification Sherloc (09022015). Collection method: clinical testing. Allele origin: germline.
Comment: This sequence change replaces threonine with alanine at codon 76 of the SMARCB1 protein (p.Thr76Ala). The threonine residue is weakly conserved and there is a small physicochemical difference between threonine and alanine. This variant is not present in population databases (ExAC no frequency). In summary, the available evidence is currently insufficient to determine the role of this variant in disease. Therefore, it has been classified as a Variant of Uncertain Significance. Algorithms developed to predict the effect of missense changes on protein structure and function output the following: SIFT: "Tolerated"; PolyPhen-2: "Benign"; Align-GVGD: "Class C0". The alanine amino acid residue is found in multiple mammalian species, suggesting that this missense change does not adversely affect protein function. These predictions have not been confirmed by published functional studies and their clinical significance is uncertain. This variant has not been reported in the literature in individuals with SMARCB1-related conditions.